The following is an entry in ClinVar:

NM_000222.3(KIT):c.195A>G (p.Lys65=)

Gene: KIT (KIT proto-oncogene, receptor tyrosine kinase; plus strand). Cytogenetic location: 4q12.
Variant type: single nucleotide variant.
Coding change: c.195A>G on transcript NM_000222.3 (MANE Select); coding-DNA position 195, A replaced by G.
Protein change: p.Lys65=; no amino-acid change (lysine 65 retained).
Molecular consequence: synonymous variant.
Genome position (GRCh38, 1-based): chr4:54,695,639, A>G. VCF-style: chr4-54695639-A-G. GRCh37 (hg19) VCF-style: chr4-55561805-A-G.
Other names: c.195A>G, p.Lys65= (NM_001093772.2, NM_001385284.1, NM_001385285.1 and 4 more transcripts).
Identifiers: ClinVar variation 415790 (VCV000415790.15), dbSNP rs200121443, ClinGen allele CA2923185.

ClinVar aggregate classification (germline): Benign/Likely benign. Review status: criteria provided, multiple submitters, no conflicts (2 of 4 stars). 3 submissions from 3 submitters: Benign (1); Likely benign (2). Last evaluated 2026-06-02.

Conditions:
Gastrointestinal stromal tumor. Also called: Gastrointestinal stroma tumor; Gastrointestinal stromal tumor, somatic. Identifiers: Orphanet 44890, MedGen C0238198, MeSH D046152, MONDO:0011719, OMIM 606764, HP:0100723.
Hereditary cancer-predisposing syndrome. Also called: Neoplastic Syndromes, Hereditary; Hereditary Cancer Syndrome; Hereditary neoplastic syndrome; Tumor predisposition. Identifiers: Orphanet 140162, MedGen C0027672, MeSH D009386, MONDO:0015356.

Allele frequency attached by ClinVar (database versions not stated): gnomAD 0.00001; TOPMed 0.00002; gnomAD exomes 0.00004 and 0.00010; ExAC 0.00012; 1000 Genomes Project 0.00020; 1000 Genomes Project 30x 0.00031.
gnomAD v4.1: 28 of 1,614,220 alleles (0.0017%); highest among the groups gnomAD compares: Admixed American, 0.045%; no homozygotes.

Submissions (3):

Myriad Genetics, Inc.
Classification: Benign for Gastrointestinal stromal tumor. Last evaluated: 2026-06-02. Review status: criteria provided, single submitter. Criteria: Myriad Autosomal Dominant, Autosomal Recessive and X-Linked Classification Criteria (2023). Collection method: clinical testing. Allele origin: unknown.
Comment: This variant is considered benign. This variant is a silent/synonymous amino acid change and it is not expected to impact splicing.

Labcorp Genetics (formerly Invitae), Labcorp
Classification: Likely benign for Gastrointestinal stromal tumor. Last evaluated: 2026-01-26. Review status: criteria provided, single submitter. Criteria: Invitae Variant Classification Sherloc (09022015). Collection method: clinical testing. Allele origin: germline.

Ambry Genetics
Classification: Likely benign for Hereditary cancer-predisposing syndrome. Last evaluated: 2022-03-16. Review status: criteria provided, single submitter. Criteria: Ambry Variant Classification Scheme 2023. Collection method: clinical testing. Allele origin: germline.